The following is an entry in ClinVar:

ClinVar aggregate classification (germline): Uncertain significance. Review status: criteria provided, multiple submitters, no conflicts (2 of 4 stars). 3 submissions from 3 submitters: Uncertain significance (3). Last evaluated 2026-10-06.

Conditions:
Cardiovascular phenotype. Identifiers: MedGen CN230736.

Allele frequency attached by ClinVar (database versions not stated): gnomAD exomes 0.00001; TOPMed 0.00003; gnomAD 0.00002 and 0.00003.
gnomAD v4.1: 14 of 1,545,034 alleles (0.00091%); highest among the groups gnomAD compares: African/African-American, 0.0014%; no homozygotes.

Submissions (3):

GeneDx
Classification: Uncertain significance. Last evaluated: 2026-10-06. Review status: criteria provided, single submitter. Criteria: GeneDx Variant Classification Process June 2021. Collection method: clinical testing. Allele origin: germline.
Comment: Not observed at significant frequency in large population cohorts (gnomAD); In silico analysis suggests that this missense variant does not alter protein structure/function; Has not been previously published as pathogenic or benign to our knowledge

Ambry Genetics
Classification: Uncertain significance for Cardiovascular phenotype. Last evaluated: 2023-04-16. Review status: criteria provided, single submitter. Criteria: Ambry Variant Classification Scheme 2023. Collection method: clinical testing. Allele origin: germline.
Comment: The p.R3414G variant (also known as c.10240A>G), located in coding exon 2 of the ZNF469 gene, results from an A to G substitution at nucleotide position 10240. The arginine at codon 3414 is replaced by glycine, an amino acid with dissimilar properties. This amino acid position is poorly conserved in available vertebrate species. In addition, this alteration is predicted to be tolerated by in silico analysis. Since supporting evidence is limited at this time, the clinical significance of this alteration remains unclear.

Labcorp Genetics (formerly Invitae), Labcorp
Classification: Uncertain significance. Last evaluated: 2022-08-24. Review status: criteria provided, single submitter. Criteria: Invitae Variant Classification Sherloc (09022015). Collection method: clinical testing. Allele origin: germline.
Comment: This sequence change replaces arginine, which is basic and polar, with glycine, which is neutral and non-polar, at codon 3414 of the ZNF469 protein (p.Arg3414Gly). This variant is present in population databases (no rsID available, gnomAD 0.002%). This variant has not been reported in the literature in individuals affected with ZNF469-related conditions. ClinVar contains an entry for this variant (Variation ID: 1219696). Algorithms developed to predict the effect of missense changes on protein structure and function output the following: SIFT: "Tolerated"; PolyPhen-2: "Benign"; Align-GVGD: "Class C0". The glycine amino acid residue is found in multiple mammalian species, which suggests that this missense change does not adversely affect protein function. In summary, the available evidence is currently insufficient to determine the role of this variant in disease. Therefore, it has been classified as a Variant of Uncertain Significance.

NM_001367624.2(ZNF469):c.10324A>G (p.Arg3442Gly)

Gene: ZNF469 (zinc finger protein 469; plus strand). Cytogenetic location: 16q24.2.
Variant type: single nucleotide variant.
Coding change: c.10324A>G on transcript NM_001367624.2 (MANE Select); coding-DNA position 10324, A replaced by G.
Protein change: p.Arg3442Gly; replaces arginine 3442 with glycine.
Molecular consequence: missense variant.
Genome position (GRCh38, 1-based): chr16:88,437,794, A>G. VCF-style: chr16-88437794-A-G. GRCh37 (hg19) VCF-style: chr16-88504202-A-G.
Other names: NM_001127464.1:c.10240A>G; short protein forms R3442G.
Identifiers: ClinVar variation 1219696 (VCV001219696.12), dbSNP rs950869305, ClinGen allele CA286386517.